The following is an entry in ClinVar:

NM_022166.4(XYLT1):c.1218G>A (p.Arg406=)

Gene: XYLT1 (xylosyltransferase 1; minus strand). Cytogenetic location: 16p12.3.
Variant type: single nucleotide variant.
Coding change: c.1218G>A on transcript NM_022166.4 (MANE Select); coding-DNA position 1218, G replaced by A.
Protein change: p.Arg406=; no amino-acid change (arginine 406 retained).
Molecular consequence: synonymous variant.
Genome position (GRCh38, 1-based): chr16:17,198,283, C>T on the plus strand (G>A on the coding strand, the complement: XYLT1 is on the minus strand). VCF-style: chr16-17198283-C-T. GRCh37 (hg19) VCF-style: chr16-17292140-C-T.
Identifiers: ClinVar variation 2646265 (VCV002646265.27), dbSNP rs2506412618, ClinGen allele CA493800742.

ClinVar aggregate classification (germline): Likely benign. Review status: criteria provided, multiple submitters, no conflicts (2 of 4 stars). 2 submissions from 2 submitters: Likely benign (2). Last evaluated 2024-09-05.

Conditions:
Desbuquois dysplasia 1 (DBQD1). Also called: MICROMELIC DWARFISM WITH VERTEBRAL AND METAPHYSEAL ABNORMALITIES AND ADVANCED CARPOTARSAL OSSIFICATION; DESBUQUOIS DYSPLASIA 1, KIM VARIANT. Identifiers: Orphanet 1425, MedGen C4012146, MONDO:0009629, OMIM 251450.

Allele frequency attached by ClinVar (database versions not stated): gnomAD exomes below 0.00001.
gnomAD v4.1: 3 of 1,614,204 alleles (0.00019%); highest among the groups gnomAD compares: African/African-American, 0.0013%; no homozygotes.

Submissions (2):

Labcorp Genetics (formerly Invitae), Labcorp
Classification: Likely benign for Desbuquois dysplasia 1. Last evaluated: 2024-09-05. Review status: criteria provided, single submitter. Criteria: Invitae Variant Classification Sherloc (09022015). Collection method: clinical testing. Allele origin: germline.

CeGaT Center for Human Genetics Tuebingen
Classification: Likely benign. Last evaluated: 2023-06-01. Review status: criteria provided, single submitter. Criteria: CeGaT Center For Human Genetics Tuebingen Variant Classification Criteria Version 2. Collection method: clinical testing. Allele origin: germline. Affected: yes. Observed: 1 variant allele.
Comment: XYLT1: PM2:Supporting, BP4, BP7